The following is an entry in ClinVar:

ClinVar aggregate classification (germline): Likely benign (1 of 4 stars; one submission).

gnomAD v4.1: 97 of 1,576,598 alleles (0.0062%); highest among the groups gnomAD compares: Non-Finnish European, 0.0082%; no homozygotes.

Submission:

CeGaT Center for Human Genetics Tuebingen
Classification: Likely benign. Last evaluated: 2025-02-01. Review status: criteria provided, single submitter. Criteria: CeGaT Center For Human Genetics Tuebingen Variant Classification Criteria Version 2. Collection method: clinical testing. Allele origin: germline. Affected: yes. Observed: 1 variant allele.
Comment: GPR22: BP4, BP7

NM_005295.3(GPR22):c.1254T>C (p.Asp418=)

Genes: COG5 (component of oligomeric golgi complex 5; minus strand), GPR22 (G protein-coupled receptor 22; plus strand). Cytogenetic location: 7q22.3.
Variant type: single nucleotide variant.
Coding change: c.1254T>C on transcript NM_005295.3 (MANE Select); coding-DNA position 1254, T replaced by C.
Protein change: p.Asp418=; no amino-acid change (aspartic acid 418 retained).
Molecular consequence: synonymous variant. On other transcripts: intron variant (9).
Genome position (GRCh38, 1-based): chr7:107,475,314, T>C. VCF-style: chr7-107475314-T-C. GRCh37 (hg19) VCF-style: chr7-107115759-T-C.
Other names: c.234+82662A>G (NM_001379516.1); c.538+51923A>G (NM_001379515.1, NM_001379511.1, NM_001379512.1 and 5 more transcripts).
Identifiers: ClinVar variation 3771507 (VCV003771507.13).